The following is an entry in ClinVar:

ClinVar aggregate classification (germline): Pathogenic (1 of 4 stars; one submission).

Conditions:
Congenital myotonia, autosomal recessive form. Also called: BECKER DISEASE; Becker Generalized Myotonia; myotonia congenita, autosomal recessive. Identifiers: Orphanet 614, MedGen C0751360, MONDO:0009715, OMIM 255700.
Congenital myotonia, autosomal dominant form (THD). Also called: THOMSEN DISEASE; Myotonia congenita autosomal dominant. Identifiers: Orphanet 614, MedGen C2936781, MONDO:0008055, OMIM 160800.

Allele frequency attached by ClinVar (database versions not stated): gnomAD exomes below 0.00001.
gnomAD v4.1: 1 of 1,614,222 alleles (0.000062%); highest among the groups gnomAD compares: South Asian, 0.0011%; no homozygotes.

Submission:

Labcorp Genetics (formerly Invitae), Labcorp
Classification: Pathogenic for Congenital myotonia, autosomal recessive form; Congenital myotonia, autosomal dominant form. Last evaluated: 2021-05-05. Review status: criteria provided, single submitter. Criteria: Invitae Variant Classification Sherloc (09022015). Collection method: clinical testing. Allele origin: germline.
Comment: This variant is not present in population databases (ExAC no frequency). This variant has been observed in individual(s) with autosomal recessive myotonia congenita (PMID: 31566103). It has also been observed to segregate with disease in related individuals. For these reasons, this variant has been classified as Pathogenic. This sequence change creates a premature translational stop signal (p.Tyr206*) in the CLCN1 gene. It is expected to result in an absent or disrupted protein product. Loss-of-function variants in CLCN1 are known to be pathogenic (PMID: 17932099, 22094069, 23739125).

Literature cited by the submitters: PubMed 31566103; PubMed 17932099; PubMed 22094069; PubMed 23739125.

NM_000083.3(CLCN1):c.618C>A (p.Tyr206Ter)

Gene: CLCN1 (chloride voltage-gated channel 1; plus strand). Cytogenetic location: 7q34.
Variant type: single nucleotide variant.
Coding change: c.618C>A on transcript NM_000083.3 (MANE Select); coding-DNA position 618, C replaced by A.
Protein change: p.Tyr206Ter; replaces tyrosine 206 with a stop codon.
Molecular consequence: nonsense. On other transcripts: non-coding transcript variant (1).
Genome position (GRCh38, 1-based): chr7:143,321,770, C>A. VCF-style: chr7-143321770-C-A. GRCh37 (hg19) VCF-style: chr7-143018863-C-A.
Other names: short protein forms Y206*.
Identifiers: ClinVar variation 1402851 (VCV001402851.8), dbSNP rs1563074540, ClinGen allele CA369684582.